The following is an entry in ClinVar:

ClinVar aggregate classification (germline): Benign/Likely benign. Review status: criteria provided, multiple submitters, no conflicts (2 of 4 stars). 9 submissions from 9 submitters: Benign (2); Likely benign (4). 3 of the submissions do not count toward it. Last evaluated 2026-08-01.

Conditions:
BRAT1-related disorder. Also called: BRAT1-related condition; BRAT1-related disorders.
Neonatal-onset encephalopathy with rigidity and seizures. Also called: Lethal neonatal spasticity-epileptic encephalopathy syndrome. Identifiers: Orphanet 435845, MedGen C3281029, MONDO:0013784, OMIM 614498.

Allele frequency attached by ClinVar (database versions not stated): gnomAD 0.00159 and 0.00183; TOPMed 0.00163; 1000 Genomes Project 0.00200; 1000 Genomes Project 30x 0.00219; ESP Exome Variant Server 0.00231.

Submissions (9):

CeGaT Center for Human Genetics Tuebingen
Classification: Likely benign. Last evaluated: 2026-08-01. Review status: criteria provided, single submitter. Criteria: CeGaT Center For Human Genetics Tuebingen Variant Classification Criteria Version 2. Collection method: clinical testing. Allele origin: germline. Affected: yes. Observed: 18 variant alleles.
Comment: BRAT1: BP4, BP7, BS2

Labcorp Genetics (formerly Invitae), Labcorp
Classification: Benign for Neonatal-onset encephalopathy with rigidity and seizures. Last evaluated: 2026-02-03. Review status: criteria provided, single submitter. Criteria: Invitae Variant Classification Sherloc (09022015). Collection method: clinical testing. Allele origin: germline.

Blueprint Genetics
Classification: Likely benign. Last evaluated: 2024-11-22. Review status: criteria provided, single submitter. Criteria: ACMG Guidelines, 2015. Collection method: clinical testing. Allele origin: germline.

GeneDx
Classification: Likely benign. Last evaluated: 2020-10-08. Review status: criteria provided, single submitter. Criteria: GeneDx Variant Classification Process June 2021. Collection method: clinical testing. Allele origin: germline. Affected: yes.

Athena Diagnostics
Classification: Benign. Last evaluated: 2019-06-07. Review status: criteria provided, single submitter. Criteria: Athena Diagnostics Criteria. Collection method: clinical testing. Allele origin: germline.

Breakthrough Genomics
Classification: Likely benign. Review status: criteria provided, single submitter. Criteria: ACMG Guidelines, 2015. Collection method: not provided. Allele origin: germline. Inheritance: Autosomal recessive inheritance. Affected: yes.

PreventionGenetics, part of Exact Sciences
Classification: Likely benign for BRAT1-related condition. Last evaluated: 2019-10-24. Review status: no assertion criteria provided. Collection method: clinical testing. Allele origin: germline. Not counted in ClinVar's aggregate classification.
Comment: This variant is classified as likely benign based on ACMG/AMP sequence variant interpretation guidelines (Richards et al. 2015 PMID: 25741868, with internal and published modifications).

Clinical Genetics DNA and cytogenetics Diagnostics Lab, Erasmus MC, Erasmus Medical Center
Classification: Likely benign. Review status: no assertion criteria provided. Collection method: clinical testing. Allele origin: germline. Affected: yes. Study: VKGL Data-share Consensus. Not counted in ClinVar's aggregate classification.

Genome Diagnostics Laboratory, University Medical Center Utrecht
Classification: Likely benign. Review status: no assertion criteria provided. Collection method: clinical testing. Allele origin: germline. Affected: yes. Study: VKGL Data-share Consensus. Not counted in ClinVar's aggregate classification.

NM_152743.4(BRAT1):c.2208G>T (p.Leu736=)

Gene: BRAT1 (BRCA1 associated ATM activator 1; minus strand). Cytogenetic location: 7p22.3.
Variant type: single nucleotide variant.
Coding change: c.2208G>T on transcript NM_152743.4 (MANE Select); coding-DNA position 2208, G replaced by T.
Protein change: p.Leu736=; no amino-acid change (leucine 736 retained).
Molecular consequence: synonymous variant. On other transcripts: non-coding transcript variant (1).
Genome position (GRCh38, 1-based): chr7:2,538,327, C>A on the plus strand (G>T on the coding strand, the complement: BRAT1 is on the minus strand). VCF-style: chr7-2538327-C-A. GRCh37 (hg19) VCF-style: chr7-2577961-C-A.
Other names: c.2388G>T, p.Leu796= (NM_001350626.2); c.1683G>T, p.Leu561= (NM_001350627.2).
Identifiers: ClinVar variation 472963 (VCV000472963.51), dbSNP rs61753093, ClinGen allele CA4127430.